The following is an entry in ClinVar:

NM_183357.3(ADCY5):c.1135-38158T>C

Gene: ADCY5 (adenylate cyclase 5; minus strand). Cytogenetic location: 3q21.1.
Variant type: single nucleotide variant.
Coding change: c.1135-38158T>C on transcript NM_183357.3 (MANE Select); 38158 bases into the intron before coding-DNA position 1135, T replaced by C.
Molecular consequence: intron variant.
Genome position (GRCh38, 1-based): chr3:123,390,739, A>G on the plus strand (T>C on the coding strand, the complement: ADCY5 is on the minus strand). VCF-style: chr3-123390739-A-G. GRCh37 (hg19) VCF-style: chr3-123109586-A-G.
Other names: c.1135-38158T>C (NM_001378259.1); c.84+25445T>C (NM_001199642.1).
Identifiers: ClinVar variation 3256852 (VCV003256852.2).
Genomic context (GRCh38, chr3:123,390,739, plus strand): 5'-GAAGAACCTTCCTCATAATCCCATGGTGATCCTGGGCCATCAAGGCTGCAGGTGCAGCAC[A>G]GCCTGAGGCTAGGCCACCCAGTCCCATCCTGGGAATGGACTCAGCTCCTTCTCACCTTTG-3'

ClinVar aggregate classification (germline): Benign (1 of 4 stars; one submission).

Submission:

Unidad de Genómica Garrahan, Hospital de Pediatría Garrahan
Classification: Benign. Last evaluated: 2024-07-31. Review status: criteria provided, single submitter. Criteria: ACMG Guidelines, 2015. Collection method: clinical testing. Allele origin: germline. Affected: no. Observed: 71 variant alleles.
Comment: This variant is classified as Benign based on local population frequency. This variant was detected in 76% of patients studied in a panel designed for Epileptic and Developmental Encephalopathy, Progressive Myoclonus Epilepsy and Abnormal Movements and Neurodegeneration with brain iron accumulation. Number of patients: 71. Only high quality variants are reported.